The following is an entry in ClinVar:

ClinVar aggregate classification (germline): Uncertain significance (1 of 4 stars; one submission).

Conditions:
Juvenile polyposis syndrome (JPS). Identifiers: Orphanet 2929, MedGen C0345893, MONDO:0017380, OMIM 174900.

Submission:

Labcorp Genetics (formerly Invitae), Labcorp
Classification: Uncertain significance for Juvenile polyposis syndrome. Last evaluated: 2021-11-25. Review status: criteria provided, single submitter. Criteria: Invitae Variant Classification Sherloc (09022015). Collection method: clinical testing. Allele origin: germline.
Comment: In summary, the available evidence is currently insufficient to determine the role of this variant in disease. Therefore, it has been classified as a Variant of Uncertain Significance. Advanced modeling of protein sequence and biophysical properties (such as structural, functional, and spatial information, amino acid conservation, physicochemical variation, residue mobility, and thermodynamic stability) performed at Invitae indicates that this missense variant is expected to disrupt BMPR1A protein function. This variant has not been reported in the literature in individuals affected with BMPR1A-related conditions. This variant is not present in population databases (gnomAD no frequency). This sequence change replaces valine, which is neutral and non-polar, with glycine, which is neutral and non-polar, at codon 412 of the BMPR1A protein (p.Val412Gly).

NM_004329.3(BMPR1A):c.1235T>G (p.Val412Gly)

Gene: BMPR1A (bone morphogenetic protein receptor type 1A; plus strand). Cytogenetic location: 10q23.2.
Variant type: single nucleotide variant.
Coding change: c.1235T>G on transcript NM_004329.3 (MANE Select); coding-DNA position 1235, T replaced by G.
Protein change: p.Val412Gly; replaces valine 412 with glycine.
Molecular consequence: missense variant.
Genome position (GRCh38, 1-based): chr10:86,921,588, T>G. VCF-style: chr10-86921588-T-G. GRCh37 (hg19) VCF-style: chr10-88681345-T-G.
Other names: short protein forms V412G.
Identifiers: ClinVar variation 1462595 (VCV001462595.6), dbSNP rs576247658, ClinGen allele CA377462055.